The following is an entry in ClinVar:

NM_001289125.3(IFNAR2):c.1420G>A (p.Gly474Arg)

Genes: IFNAR2 (interferon alpha and beta receptor subunit 2; plus strand), IFNAR2-IL10RB (IFNAR2-IL10RB readthrough; plus strand). Cytogenetic location: 21q22.11.
Variant type: single nucleotide variant.
Coding change: c.1420G>A on transcript NM_001289125.3 (MANE Select); coding-DNA position 1420, G replaced by A.
Protein change: p.Gly474Arg; replaces glycine 474 with arginine.
Molecular consequence: missense variant. On other transcripts: 3 prime UTR variant (5), intron variant (1).
Genome position (GRCh38, 1-based): chr21:33,263,372, G>A. VCF-style: chr21-33263372-G-A. GRCh37 (hg19) VCF-style: chr21-34635677-G-A.
Other names: c.*656G>A (NM_000874.5, NM_207584.3); c.*569G>A (NM_001289126.2, NM_001289128.2); c.*795G>A (NM_001385054.1); c.1420G>A, p.Gly474Arg (NM_207585.3); c.1318+102G>A (NM_001385055.1); c.1420G>A (NM_207585.1); short protein forms G474R.
Identifiers: ClinVar variation 1489901 (VCV001489901.4), dbSNP rs768028214, ClinGen allele CA10005982.

ClinVar aggregate classification (germline): Uncertain significance. Review status: criteria provided, multiple submitters, no conflicts (2 of 4 stars). 2 submissions from 2 submitters: Uncertain significance (2). Last evaluated 2025-03-05.

Allele frequency attached by ClinVar (database versions not stated): gnomAD 0.00001; gnomAD exomes 0.00001 and 0.00002; ExAC 0.00004.
gnomAD v4.1: 24 of 1,614,006 alleles (0.0015%); highest among the groups gnomAD compares: South Asian, 0.0055%; no homozygotes.

Submissions (2):

Ambry Genetics
Classification: Uncertain significance. Last evaluated: 2025-03-05. Review status: criteria provided, single submitter. Criteria: Ambry Variant Classification Scheme 2023. Collection method: clinical testing. Allele origin: germline.

Labcorp Genetics (formerly Invitae), Labcorp
Classification: Uncertain significance. Last evaluated: 2022-05-21. Review status: criteria provided, single submitter. Criteria: Invitae Variant Classification Sherloc (09022015). Collection method: clinical testing. Allele origin: germline.
Comment: This sequence change replaces glycine, which is neutral and non-polar, with arginine, which is basic and polar, at codon 474 of the IFNAR2 protein (p.Gly474Arg). This variant is present in population databases (rs768028214, gnomAD 0.009%). This variant has not been reported in the literature in individuals affected with IFNAR2-related conditions. Algorithms developed to predict the effect of missense changes on protein structure and function output the following: SIFT: "Tolerated"; PolyPhen-2: "Probably Damaging"; Align-GVGD: "Class C0". The arginine amino acid residue is found in multiple mammalian species, which suggests that this missense change does not adversely affect protein function. Algorithms developed to predict the effect of sequence changes on RNA splicing suggest that this variant may create or strengthen a splice site. In summary, the available evidence is currently insufficient to determine the role of this variant in disease. Therefore, it has been classified as a Variant of Uncertain Significance.